The following is an entry in ClinVar:

NM_024675.4(PALB2):c.2912G>A (p.Gly971Asp)

Gene: PALB2 (partner and localizer of BRCA2; minus strand). Cytogenetic location: 16p12.2.
Variant type: single nucleotide variant.
Coding change: c.2912G>A on transcript NM_024675.4 (MANE Select); coding-DNA position 2912, G replaced by A.
Protein change: p.Gly971Asp; replaces glycine 971 with aspartic acid.
Molecular consequence: missense variant.
Genome position (GRCh38, 1-based): chr16:23,623,053, C>T on the plus strand (G>A on the coding strand, the complement: PALB2 is on the minus strand). VCF-style: chr16-23623053-C-T. GRCh37 (hg19) VCF-style: chr16-23634374-C-T.
Other names: c.2750G>A, p.Gly917Asp (NM_001407298.1, NM_001407302.1); c.2912G>A, p.Gly971Asp (NM_001407299.1, NM_001407301.1); c.2027G>A, p.Gly676Asp (NM_001407304.1, NM_001407305.1, NM_001407306.1 and 4 more transcripts); c.2852G>A, p.Gly951Asp (NM_001407296.1); c.2840G>A, p.Gly947Asp (NM_001407297.1); c.1865G>A, p.Gly622Asp (NM_001407307.1); c.1124G>A, p.Gly375Asp (NM_001407312.1, NM_001407313.1); c.446G>A, p.Gly149Asp (NM_001407314.1); short protein forms G947D, G971D, G375D, G951D, G149D, G676D, G917D, G622D.
Identifiers: ClinVar variation 1797596 (VCV001797596.4), dbSNP rs1060502754, ClinGen allele CA395144221.

ClinVar aggregate classification (germline): Uncertain significance. Review status: criteria provided, multiple submitters, no conflicts (2 of 4 stars). 2 submissions from 2 submitters: Uncertain significance (2). Last evaluated 2024-11-26.

Conditions:
Hereditary cancer-predisposing syndrome. Also called: Neoplastic Syndromes, Hereditary; Tumor predisposition; Hereditary Cancer Syndrome; Hereditary neoplastic syndrome. Identifiers: Orphanet 140162, MedGen C0027672, MeSH D009386, MONDO:0015356.
Familial cancer of breast. Also called: BREAST CANCER, FAMILIAL; Hereditary breast cancer; hereditary breast carcinoma. Identifiers: Orphanet 227535, MedGen C0346153, MONDO:0016419, OMIM 114480. Disease mechanism: loss of function.

Submissions (2):

Labcorp Genetics (formerly Invitae), Labcorp
Classification: Uncertain significance for Familial cancer of breast. Last evaluated: 2024-11-26. Review status: criteria provided, single submitter. Criteria: Invitae Variant Classification Sherloc (09022015). Collection method: clinical testing. Allele origin: germline.
Comment: This sequence change replaces glycine, which is neutral and non-polar, with aspartic acid, which is acidic and polar, at codon 971 of the PALB2 protein (p.Gly971Asp). This variant is not present in population databases (gnomAD no frequency). This variant has not been reported in the literature in individuals affected with PALB2-related conditions. ClinVar contains an entry for this variant (Variation ID: 1797596). Invitae Evidence Modeling of protein sequence and biophysical properties (such as structural, functional, and spatial information, amino acid conservation, physicochemical variation, residue mobility, and thermodynamic stability) indicates that this missense variant is expected to disrupt PALB2 protein function with a positive predictive value of 80%. In summary, the available evidence is currently insufficient to determine the role of this variant in disease. Therefore, it has been classified as a Variant of Uncertain Significance.

Ambry Genetics
Classification: Uncertain significance for Hereditary cancer-predisposing syndrome. Last evaluated: 2023-11-05. Review status: criteria provided, single submitter. Criteria: Ambry Variant Classification Scheme 2023. Collection method: clinical testing. Allele origin: germline.
Comment: The p.G971D variant (also known as c.2912G>A), located in coding exon 9 of the PALB2 gene, results from a G to A substitution at nucleotide position 2912. The glycine at codon 971 is replaced by aspartic acid, an amino acid with similar properties. This amino acid position is highly conserved in available vertebrate species. In addition, the in silico prediction for this alteration is inconclusive. Since supporting evidence is limited at this time, the clinical significance of this alteration remains unclear.